The following is an entry in ClinVar:

NM_000790.4(DDC):c.316del

Genes: DDC (dopa decarboxylase; minus strand), DDC-AS1 (DDC antisense RNA 1; plus strand). Cytogenetic location: 7p12.1.
Variant type: Deletion.
Coding change: c.316del on transcript NM_000790.4; coding-DNA position 316, one base deleted (G; older notation c.316delG).
Molecular consequence: splice acceptor variant. On other transcripts: intron variant (1).
Genome position (GRCh38, 1-based): chr7:50,537,979, C deleted on the plus strand (G on the coding strand, the reverse complement: DDC is on the minus strand); the first of 2 consecutive C bases (chr7:50,537,979-50,537,980); deleting either gives the same sequence. VCF-style (leftmost placement, unchanged base first): chr7-50537978-GC-G. GRCh37 (hg19) VCF-style: chr7-50605676-GC-G.
Other names: c.201+5906del (NM_001242888.2).
Identifiers: ClinVar variation 1399541 (VCV001399541.8), dbSNP rs1364054304, ClinGen allele CA839349587.

ClinVar aggregate classification (germline): Pathogenic/Likely pathogenic. Review status: criteria provided, multiple submitters, no conflicts (2 of 4 stars). 2 submissions from 2 submitters: Pathogenic (1); Likely pathogenic (1). Last evaluated 2025-03-18.

Conditions:
Deficiency of aromatic-L-amino-acid decarboxylase. Also called: AADC DEFICIENCY; DDC DEFICIENCY; DOPA DECARBOXYLASE DEFICIENCY; Aromatic L-Amino Acid Decarboxylase Deficiency; Aromatic amino acid decarboxylase deficiency. Identifiers: Orphanet 35708, MedGen C1291564, MONDO:0012084, OMIM 608643.

Submissions (2):

Labcorp Genetics (formerly Invitae), Labcorp
Classification: Pathogenic for Deficiency of aromatic-L-amino-acid decarboxylase. Last evaluated: 2025-03-18. Review status: criteria provided, single submitter. Criteria: Invitae Variant Classification Sherloc (09022015). Collection method: clinical testing. Allele origin: germline.
Comment: This sequence change creates a premature translational stop signal (p.Ala106Argfs*12) in the DDC gene. It is expected to result in an absent or disrupted protein product. Loss-of-function variants in DDC are known to be pathogenic (PMID: 15079002, 24788355). This variant is not present in population databases (gnomAD no frequency). This variant has not been reported in the literature in individuals affected with DDC-related conditions. ClinVar contains an entry for this variant (Variation ID: 1399541). Algorithms developed to predict the effect of sequence changes on RNA splicing suggest that this variant may disrupt the consensus splice site. For these reasons, this variant has been classified as Pathogenic.

Fulgent Genetics
Classification: Likely pathogenic for Deficiency of aromatic-L-amino-acid decarboxylase. Last evaluated: 2022-03-08. Review status: criteria provided, single submitter. Criteria: ACMG Guidelines, 2015. Collection method: clinical testing. Allele origin: unknown.

Literature cited by the submitters: PubMed 15079002 (cited by Labcorp Genetics (formerly Invitae), Labcorp); PubMed 24788355 (cited by Labcorp Genetics (formerly Invitae), Labcorp).